The following is an entry in ClinVar:

ClinVar aggregate classification (germline): Uncertain significance (1 of 4 stars; one submission).

Conditions:
Hereditary cancer-predisposing syndrome. Also called: Neoplastic Syndromes, Hereditary; Tumor predisposition; Hereditary Cancer Syndrome; Hereditary neoplastic syndrome. Identifiers: Orphanet 140162, MedGen C0027672, MeSH D009386, MONDO:0015356.

Submission:

Ambry Genetics
Classification: Uncertain significance for Hereditary cancer-predisposing syndrome. Last evaluated: 2026-06-08. Review status: criteria provided, single submitter. Criteria: Ambry Variant Classification Scheme 2023. Collection method: clinical testing. Allele origin: germline.
Comment: The p.E962G variant (also known as c.2885A>G), located in coding exon 18 of the RAD50 gene, results from an A to G substitution at nucleotide position 2885. The glutamic acid at codon 962 is replaced by glycine, an amino acid with similar properties. This amino acid position is conserved. In addition, this alteration is predicted to be tolerated by in silico analysis. Based on the available evidence, the clinical significance of this variant remains unclear.

NM_005732.4(RAD50):c.2885A>G (p.Glu962Gly)

Gene: RAD50 (RAD50 double strand break repair protein; plus strand). Cytogenetic location: 5q31.1.
Variant type: single nucleotide variant.
Coding change: c.2885A>G on transcript NM_005732.4 (MANE Select); coding-DNA position 2885, A replaced by G.
Protein change: p.Glu962Gly; replaces glutamic acid 962 with glycine.
Molecular consequence: missense variant.
Genome position (GRCh38, 1-based): chr5:132,609,172, A>G. VCF-style: chr5-132609172-A-G. GRCh37 (hg19) VCF-style: chr5-131944864-A-G.
Other names: short protein forms E962G.
Identifiers: ClinVar variation 4862859 (VCV004862859.1).
Genomic context (GRCh38, chr5:132,609,172, plus strand): 5'-TACAGCTGAATGATATTAAAGAGAAGGTTAAAAATATTCATGGCTATATGAAAGACATTG[A>G]GAATTATATTCAAGATGGGAAAGACGACTATAAGAAGGTAATTTAAAACTTAAAATTATT-3'
Protein context (NP_005723.2, residues 952-972): KNIHGYMKDI[Glu962Gly]NYIQDGKDDY